The following is an entry in ClinVar:

ClinVar aggregate classification (germline): Likely benign (1 of 4 stars; one submission).

Submission:

CeGaT Center for Human Genetics Tuebingen
Classification: Likely benign. Last evaluated: 2024-01-01. Review status: criteria provided, single submitter. Criteria: CeGaT Center For Human Genetics Tuebingen Variant Classification Criteria Version 2. Collection method: clinical testing. Allele origin: germline. Affected: yes. Observed: 1 variant allele.
Comment: KIF11: PM2:Supporting, BP4, BP7

NM_004523.4(KIF11):c.78A>G (p.Arg26=)

Gene: KIF11 (kinesin family member 11; plus strand). Cytogenetic location: 10q23.33.
Variant type: single nucleotide variant.
Coding change: c.78A>G on transcript NM_004523.4 (MANE Select); coding-DNA position 78, A replaced by G.
Protein change: p.Arg26=; no amino-acid change (arginine 26 retained).
Molecular consequence: synonymous variant.
Genome position (GRCh38, 1-based): chr10:92,606,265, A>G. VCF-style: chr10-92606265-A-G. GRCh37 (hg19) VCF-style: chr10-94366022-A-G.
Identifiers: ClinVar variation 3026864 (VCV003026864.22), dbSNP rs2492475534, ClinGen allele CA470982425.